The following is an entry in ClinVar:

ClinVar aggregate classification (germline): Uncertain significance (1 of 4 stars; one submission).

Conditions:
Hereditary cancer-predisposing syndrome. Also called: Hereditary neoplastic syndrome; Hereditary Cancer Syndrome; Neoplastic Syndromes, Hereditary; Tumor predisposition. Identifiers: Orphanet 140162, MedGen C0027672, MeSH D009386, MONDO:0015356.

Submission:

Ambry Genetics
Classification: Uncertain significance for Hereditary cancer-predisposing syndrome. Last evaluated: 2023-05-01. Review status: criteria provided, single submitter. Criteria: Ambry Variant Classification Scheme 2023. Collection method: clinical testing. Allele origin: germline.
Comment: The p.F854V variant (also known as c.2560T>G), located in coding exon 14 of the RET gene, results from a T to G substitution at nucleotide position 2560. The phenylalanine at codon 854 is replaced by valine, an amino acid with highly similar properties. This amino acid position is conserved. In addition, this alteration is predicted to be deleterious by in silico analysis. Since supporting evidence is limited at this time, the clinical significance of this alteration remains unclear.

NM_020975.6(RET):c.2560T>G (p.Phe854Val)

Gene: RET (ret proto-oncogene; plus strand). Cytogenetic location: 10q11.21.
Variant type: single nucleotide variant.
Coding change: c.2560T>G on transcript NM_020975.6 (MANE Select); coding-DNA position 2560, T replaced by G.
Protein change: p.Phe854Val; replaces phenylalanine 854 with valine.
Molecular consequence: missense variant.
Genome position (GRCh38, 1-based): chr10:43,119,698, T>G. VCF-style: chr10-43119698-T-G. GRCh37 (hg19) VCF-style: chr10-43615146-T-G.
Other names: c.2560T>G, p.Phe854Val (NM_000323.2, NM_001406743.1, NM_001406744.1 and 4 more transcripts); c.1798T>G, p.Phe600Val (NM_001355216.2); c.2431T>G, p.Phe811Val (NM_001406761.1, NM_001406762.1, NM_001406764.1); c.2425T>G, p.Phe809Val (NM_001406763.1, NM_001406765.1); c.2272T>G, p.Phe758Val (NM_001406766.1, NM_001406767.1, NM_001406770.1); c.2296T>G, p.Phe766Val (NM_001406768.1); c.2164T>G, p.Phe722Val (NM_001406769.1, NM_001406772.1); c.2122T>G, p.Phe708Val (NM_001406771.1, NM_001406773.1); and 10 more; short protein forms F510V, F515V, F555V, F722V, F758V, F766V, F811V, F854V.
Identifiers: ClinVar variation 2568355 (VCV002568355.2), dbSNP rs2132949734, ClinGen allele CA376556592.